The following is an entry in ClinVar:

NM_005045.4(RELN):c.10280+7A>G

Genes: RELN (reelin; minus strand), SLC26A5-AS1 (SLC26A5 antisense RNA 1; plus strand). Cytogenetic location: 7q22.1.
Variant type: single nucleotide variant.
Coding change: c.10280+7A>G on transcript NM_005045.4 (MANE Select); 7 bases into the intron after coding-DNA position 10280, A replaced by G.
Molecular consequence: intron variant.
Genome position (GRCh38, 1-based): chr7:103,482,866, T>C on the plus strand (A>G on the coding strand, the complement: RELN is on the minus strand). VCF-style: chr7-103482866-T-C. GRCh37 (hg19) VCF-style: chr7-103123313-T-C.
Other names: c.10280+7A>G (NM_173054.3).
Identifiers: ClinVar variation 932041 (VCV000932041.11), dbSNP rs764488118, ClinGen allele CA4420002.
Genomic context (GRCh38, chr7:103,482,866, plus strand): 5'-ATGCTATATCAAAGGAATTTCAAACCTTCCTGAAATGGACATGGGATGCCATGTAATAGA[T>C]ACTCACAGGACGACCTCCACATGGTCCAAAGCCCATTGATCATGACCTGTTCCATTGTGG-3'

ClinVar aggregate classification (germline): Conflicting classifications of pathogenicity. Review status: criteria provided, conflicting classifications (1 of 4 stars). 2 submissions from 2 submitters: Uncertain significance (1); Likely benign (1). Last evaluated 2024-02-24.

Conditions:
Familial temporal lobe epilepsy 7. Identifiers: Orphanet 101046, MedGen C4225327, MONDO:0014639, OMIM 616436.
Norman-Roberts syndrome (LIS2). Also called: Lissencephaly 2 (Norman-Roberts type). Identifiers: Orphanet 89844, MedGen C0796089, MONDO:0009760, OMIM 257320.

Allele frequency attached by ClinVar (database versions not stated): gnomAD exomes below 0.00001 and 0.00001; ExAC 0.00001; TOPMed 0.00001.
gnomAD v4.1: 17 of 1,614,080 alleles (0.0011%); highest among the groups gnomAD compares: Non-Finnish European, 0.0014%; no homozygotes.

Submissions (2):

Labcorp Genetics (formerly Invitae), Labcorp
Classification: Likely benign for Familial temporal lobe epilepsy 7; Norman-Roberts syndrome. Last evaluated: 2024-02-24. Review status: criteria provided, single submitter. Criteria: Invitae Variant Classification Sherloc (09022015). Collection method: clinical testing. Allele origin: germline.

Centre for Mendelian Genomics, University Medical Centre Ljubljana
Classification: Uncertain significance for Familial temporal lobe epilepsy 7. Last evaluated: 2019-05-09. Review status: criteria provided, single submitter. Criteria: ACMG Guidelines, 2015. Collection method: clinical testing. Allele origin: unknown. Affected: yes.
Comment: This variant was classified as: Uncertain significance. The available evidence on this variant's pathogenicity is insufficient or conflicting. The following ACMG criteria were applied in classifying this variant: PP3.